The following is an entry in ClinVar:

NM_002524.5(NRAS):c.18GGT[2] (p.Val9del)

Gene: NRAS (NRAS proto-oncogene, GTPase; minus strand). Cytogenetic location: 1p13.2.
Variant type: Microsatellite.
Coding change: c.18GGT[2] on transcript NM_002524.5 (MANE Select); two copies in a row of the 3-base unit GGT starting at c.18; the reference has three copies in a row; one copy, 3 bases deleted.
Protein change: p.Val9del; deletes valine 9.
Molecular consequence: inframe deletion.
Genome position (GRCh38, 1-based): chr1:114,716,135-114,716,137, ACC deleted on the plus strand (GGT on the coding strand, the reverse complement: NRAS is on the minus strand); deleting any 3 consecutive bases within chr1:114,716,135-114,716,144 gives the same sequence; the position shown is the placement nearest the transcript's 3' end. VCF-style (leftmost placement, unchanged base first): chr1-114716134-AACC-A. GRCh37 (hg19) VCF-style: chr1-115258755-AACC-A.
Other names: short protein forms V9del.
Identifiers: ClinVar variation 2176086 (VCV002176086.4), dbSNP rs751917429, ClinGen allele CA1020786.
Genomic context (GRCh38, chr1:114,716,134, plus strand): 5'-TACAAAGTGGTTCTGGATTAGCTGGATTGTCAGTGCGCTTTTCCCAACACCACCTGCTCC[AACC>A]ACCACCAGTTTGTACTCAGTCATTTCACACCAGCAAGAACCTGTTGGAAACCAGTAATCA-3'

ClinVar aggregate classification (germline): Uncertain significance (1 of 4 stars; one submission).

Conditions:
RASopathy. Also called: rasopathies; Noonan spectrum disorder. Identifiers: Orphanet 536391, MedGen C5555857, MONDO:0021060.

Submission:

Labcorp Genetics (formerly Invitae), Labcorp
Classification: Uncertain significance for RASopathy. Last evaluated: 2025-12-08. Review status: criteria provided, single submitter. Criteria: Invitae Variant Classification Sherloc (09022015). Collection method: clinical testing. Allele origin: germline.
Comment: This variant, c.24_26del, results in the deletion of 1 amino acid(s) of the NRAS protein (p.Val9del), but otherwise preserves the integrity of the reading frame. This variant is present in population databases (rs751917429, gnomAD 0.002%). This variant has not been reported in the literature in individuals affected with NRAS-related conditions. Experimental studies and prediction algorithms are not available or were not evaluated, and the functional significance of this variant is currently unknown. In summary, the available evidence is currently insufficient to determine the role of this variant in disease. Therefore, it has been classified as a Variant of Uncertain Significance.